The following is an entry in ClinVar:

ClinVar aggregate classification (germline): Uncertain significance (1 of 4 stars; one submission).

Submission:

GeneDx
Classification: Uncertain significance. Last evaluated: 2026-03-08. Review status: criteria provided, single submitter. Criteria: GeneDx Variant Classification Process June 2021. Collection method: clinical testing. Allele origin: germline.
Comment: Not observed at significant frequency in large population cohorts (gnomAD); Nonsense variant predicted to result in protein truncation or nonsense mediated decay in a gene or region of a gene for which loss of function is not an established mechanism of disease; Has not been previously published as pathogenic or benign to our knowledge

NM_006178.4(NSF):c.1546C>T (p.Arg516Ter)

Genes: LRRC37A2 (leucine rich repeat containing 37 member A2), NSF (N-ethylmaleimide sensitive factor, vesicle fusing ATPase; plus strand). Cytogenetic location: 17q21.31.
Variant type: single nucleotide variant.
Coding change: c.1546C>T on transcript NM_006178.4 (MANE Select); coding-DNA position 1546, C replaced by T.
Protein change: p.Arg516Ter; replaces arginine 516 with a stop codon.
Molecular consequence: nonsense. On other transcripts: non-coding transcript variant (1).
Genome position (GRCh38, 1-based): chr17:46,711,038, C>T. VCF-style: chr17-46711038-C-T. GRCh37 (hg19) VCF-style: chr17-44788404-C-T.
Other names: short protein forms R516*.
Identifiers: ClinVar variation 5008650 (VCV005008650.1).